The following is an entry in ClinVar:

NM_001040616.3(LINS1):c.1940G>A (p.Ser647Asn)

Gene: LINS1 (lines homolog 1; minus strand). Cytogenetic location: 15q26.3.
Variant type: single nucleotide variant.
Coding change: c.1940G>A on transcript NM_001040616.3 (MANE Select); coding-DNA position 1940, G replaced by A.
Protein change: p.Ser647Asn; replaces serine 647 with asparagine.
Molecular consequence: missense variant. On other transcripts: non-coding transcript variant (3).
Genome position (GRCh38, 1-based): chr15:100,569,572, C>T on the plus strand (G>A on the coding strand, the complement: LINS1 is on the minus strand). VCF-style: chr15-100569572-C-T. GRCh37 (hg19) VCF-style: chr15-101109777-C-T.
Other names: c.1193G>A, p.Ser398Asn (NM_001352507.2); c.1787G>A, p.Ser596Asn (NM_001352508.2); short protein forms S647N, S398N, S596N.
Identifiers: ClinVar variation 520598 (VCV000520598.8), dbSNP rs150317593, ClinGen allele CA7759301.

ClinVar aggregate classification (germline): Conflicting classifications of pathogenicity. Review status: criteria provided, conflicting classifications (1 of 4 stars). 3 submissions from 3 submitters: Uncertain significance (2); Likely benign (1). Last evaluated 2023-06-16.

Conditions:
Inborn genetic diseases. Identifiers: MedGen C0950123, MeSH D030342.

Allele frequency attached by ClinVar (database versions not stated): TOPMed 0.00062; 1000 Genomes Project 0.00120; 1000 Genomes Project 30x 0.00141; ESP Exome Variant Server 0.00085; gnomAD 0.00073.

Submissions (3):

GeneDx
Classification: Uncertain significance. Last evaluated: 2023-06-16. Review status: criteria provided, single submitter. Criteria: GeneDx Variant Classification Process June 2021. Collection method: clinical testing. Allele origin: germline. Affected: yes.
Comment: In silico analysis supports that this missense variant does not alter protein structure/function; Has not been previously published as pathogenic or benign to our knowledge

Labcorp Genetics (formerly Invitae), Labcorp
Classification: Likely benign. Last evaluated: 2018-03-29. Review status: criteria provided, single submitter. Criteria: Invitae Variant Classification Sherloc (09022015). Collection method: clinical testing. Allele origin: germline.

Ambry Genetics
Classification: Uncertain significance for Inborn genetic diseases. Last evaluated: 2014-12-15. Review status: criteria provided, single submitter. Criteria: Ambry exome assertion method (8-5-2015). Collection method: clinical testing. Allele origin: germline. Affected: yes. Observed: 1 variant allele.